The following is an entry in ClinVar:

NM_003107.3(SOX4):c.395A>G (p.Lys132Arg)

Gene: SOX4 (SRY-box transcription factor 4; plus strand). Cytogenetic location: 6p22.3.
Variant type: single nucleotide variant.
Coding change: c.395A>G on transcript NM_003107.3 (MANE Select); coding-DNA position 395, A replaced by G.
Protein change: p.Lys132Arg; replaces lysine 132 with arginine.
Molecular consequence: missense variant.
Genome position (GRCh38, 1-based): chr6:21,594,929, A>G. VCF-style: chr6-21594929-A-G. GRCh37 (hg19) VCF-style: chr6-21595160-A-G.
Other names: short protein forms K132R.
Identifiers: ClinVar variation 1691217 (VCV001691217.3), dbSNP rs2113557286, ClinGen allele CA363270388.

ClinVar aggregate classification (germline): Uncertain significance (1 of 4 stars; one submission).

Allele frequency attached by ClinVar (database versions not stated): gnomAD exomes below 0.00001.
gnomAD v4.1: 1 of 1,612,418 alleles (0.000062%); highest among the groups gnomAD compares: Non-Finnish European, 0.000085%; no homozygotes.

Submission:

GeneDx
Classification: Uncertain significance. Last evaluated: 2022-05-27. Review status: criteria provided, single submitter. Criteria: GeneDx Variant Classification Process June 2021. Collection method: clinical testing. Allele origin: germline. Affected: yes.
Comment: Not observed at significant frequency in large population cohorts (gnomAD); In silico analysis, which includes protein predictors and evolutionary conservation, supports a deleterious effect; This variant is associated with the following publications: (PMID: 35232796)